The following is an entry in ClinVar:

ClinVar aggregate classification (germline): Uncertain significance (1 of 4 stars; one submission).

gnomAD v4.1: 7 of 1,614,162 alleles (0.00043%); highest among the groups gnomAD compares: Non-Finnish European, 0.00059%; no homozygotes.

Submission:

Ambry Genetics
Classification: Uncertain significance. Last evaluated: 2026-01-20. Review status: criteria provided, single submitter. Criteria: Ambry Variant Classification Scheme 2023. Collection method: clinical testing. Allele origin: germline.
Comment: The p.H372R variant (also known as c.1115A>G), located in coding exon 4 of the WNK2 gene, results from an A to G substitution at nucleotide position 1115. The histidine at codon 372 is replaced by arginine, an amino acid with highly similar properties. This amino acid position is conserved. In addition, this alteration is predicted to be tolerated by in silico analysis. Based on the available evidence, the clinical significance of this variant remains unclear.

NM_006648.4(WNK2):c.1115A>G (p.His372Arg)

Gene: WNK2 (WNK lysine deficient protein kinase 2; plus strand). Cytogenetic location: 9q22.31.
Variant type: single nucleotide variant.
Coding change: c.1115A>G on transcript NM_006648.4 (MANE Select); coding-DNA position 1115, A replaced by G.
Protein change: p.His372Arg; replaces histidine 372 with arginine.
Molecular consequence: missense variant.
Genome position (GRCh38, 1-based): chr9:93,234,847, A>G. VCF-style: chr9-93234847-A-G. GRCh37 (hg19) VCF-style: chr9-95997129-A-G.
Other names: c.1115A>G, p.His372Arg (NM_001282394.3); short protein forms H372R.
Identifiers: ClinVar variation 4844865 (VCV004844865.1).